The following is an entry in ClinVar:

NM_004333.6(BRAF):c.81_101del (p.Gly28_Ala34del)

Gene: BRAF (B-Raf proto-oncogene, serine/threonine kinase; minus strand). Cytogenetic location: 7q34.
Variant type: Deletion.
Coding change: c.81_101del on transcript NM_004333.6 (MANE Select); coding-DNA positions 81 to 101, 21 bases deleted (CGGCGCCGGCGCCGGCGCCGC).
Protein change: p.Gly28_Ala34del.
Molecular consequence: inframe deletion.
Genome position (GRCh38, 1-based): chr7:140,924,603-140,924,623, GCGGCGCCGGCGCCGGCGCCG deleted on the plus strand (CGGCGCCGGCGCCGGCGCCGC on the coding strand, the reverse complement: BRAF is on the minus strand); deleting any 21 consecutive bases within chr7:140,924,603-140,924,625 gives the same sequence; the c. name uses the placement nearest the transcript's 3' end. VCF-style (leftmost placement, unchanged base first): chr7-140924602-CGCGGCGCCGGCGCCGGCGCCG-C. GRCh37 (hg19) VCF-style: chr7-140624402-CGCGGCGCCGGCGCCGGCGCCG-C.
Other names: c.81_101del, p.Gly28_Ala34del (NM_001354609.2, NM_001374244.1, NM_001374258.1 and 7 more transcripts).
Identifiers: ClinVar variation 2154360 (VCV002154360.4), dbSNP rs2536967078, ClinGen allele CA913112070.

ClinVar aggregate classification (germline): Uncertain significance (1 of 4 stars; one submission).

Conditions:
RASopathy. Also called: rasopathies; Noonan spectrum disorder. Identifiers: Orphanet 536391, MedGen C5555857, MONDO:0021060.

Submission:

Labcorp Genetics (formerly Invitae), Labcorp
Classification: Uncertain significance for RASopathy. Last evaluated: 2023-09-25. Review status: criteria provided, single submitter. Criteria: Invitae Variant Classification Sherloc (09022015). Collection method: clinical testing. Allele origin: germline.
Comment: This variant, c.81_101del, results in the deletion of 7 amino acid(s) of the BRAF protein (p.Gly28_Ala34del), but otherwise preserves the integrity of the reading frame. This variant is not present in population databases (gnomAD no frequency). This variant has not been reported in the literature in individuals affected with BRAF-related conditions. ClinVar contains an entry for this variant (Variation ID: 2154360). Experimental studies and prediction algorithms are not available or were not evaluated, and the functional significance of this variant is currently unknown. In summary, the available evidence is currently insufficient to determine the role of this variant in disease. Therefore, it has been classified as a Variant of Uncertain Significance.